The following is an entry in ClinVar:

NM_001987.5(ETV6):c.34-314G>A

Gene: ETV6 (ETS variant transcription factor 6; plus strand). Cytogenetic location: 12p13.2.
Variant type: single nucleotide variant.
Coding change: c.34-314G>A on transcript NM_001987.5 (MANE Select); 314 bases into the intron before coding-DNA position 34, G replaced by A.
Molecular consequence: intron variant.
Genome position (GRCh38, 1-based): chr12:11,752,136, G>A. VCF-style: chr12-11752136-G-A. GRCh37 (hg19) VCF-style: chr12-11905070-G-A.
Identifiers: ClinVar variation 1686718 (VCV001686718.2), dbSNP rs141390009, ClinGen allele CA232546083.

ClinVar aggregate classification (germline): Likely benign (1 of 4 stars; one submission).

Allele frequency attached by ClinVar (database versions not stated): gnomAD 0.00436 and 0.00467; TOPMed 0.00502; 1000 Genomes Project 0.00559; 1000 Genomes Project 30x 0.00640.
gnomAD v4.1: 657 of 152,264 alleles (0.43%); highest among the groups gnomAD compares: African/African-American, 1.5%; 8 homozygotes.

Submission:

GeneDx
Classification: Likely benign. Last evaluated: 2020-02-25. Review status: criteria provided, single submitter. Criteria: GeneDx Variant Classification Process June 2021. Collection method: clinical testing. Allele origin: germline. Affected: yes.
Comment: See Variant Classification Assertion Criteria.